The following is an entry in ClinVar:

NM_004646.4(NPHS1):c.2815+1G>C

Gene: NPHS1 (NPHS1 adhesion molecule, nephrin; minus strand). Cytogenetic location: 19q13.12.
Variant type: single nucleotide variant.
Coding change: c.2815+1G>C on transcript NM_004646.4 (MANE Select); the canonical splice donor site of the intron after coding-DNA position 2815, G replaced by C.
Molecular consequence: splice donor variant.
Genome position (GRCh38, 1-based): chr19:35,841,714, C>G on the plus strand (G>C on the coding strand, the complement: NPHS1 is on the minus strand). VCF-style: chr19-35841714-C-G. GRCh37 (hg19) VCF-style: chr19-36332616-C-G.
Identifiers: ClinVar variation 1468451 (VCV001468451.6), dbSNP rs2146818902, ClinGen allele CA405388939.

ClinVar aggregate classification (germline): Likely pathogenic (1 of 4 stars; one submission).

Submission:

Labcorp Genetics (formerly Invitae), Labcorp
Classification: Likely pathogenic. Last evaluated: 2021-11-27. Review status: criteria provided, single submitter. Criteria: Invitae Variant Classification Sherloc (09022015). Collection method: clinical testing. Allele origin: germline.
Comment: This variant is not present in population databases (gnomAD no frequency). This sequence change affects a donor splice site in intron 20 of the NPHS1 gene. It is expected to disrupt RNA splicing. Variants that disrupt the donor or acceptor splice site typically lead to a loss of protein function (PMID: 16199547), and loss-of-function variants in NPHS1 are known to be pathogenic (PMID: 11317351, 11854170, 12039988). In summary, the currently available evidence indicates that the variant is pathogenic, but additional data are needed to prove that conclusively. Therefore, this variant has been classified as Likely Pathogenic. Algorithms developed to predict the effect of sequence changes on RNA splicing suggest that this variant may disrupt the consensus splice site. This variant has not been reported in the literature in individuals affected with NPHS1-related conditions.

Literature cited by the submitters: PubMed 16199547; PubMed 11317351; PubMed 11854170; PubMed 12039988.